The following is an entry in ClinVar:

NM_001242896.3(DEPDC5):c.58+5G>C

Gene: DEPDC5 (DEP domain containing 5, GATOR1 subcomplex subunit; plus strand). Cytogenetic location: 22q12.2.
Variant type: single nucleotide variant.
Coding change: c.58+5G>C on transcript NM_001242896.3 (MANE Select); 5 bases into the intron after coding-DNA position 58, G replaced by C.
Molecular consequence: intron variant.
Genome position (GRCh38, 1-based): chr22:31,754,984, G>C. VCF-style: chr22-31754984-G-C. GRCh37 (hg19) VCF-style: chr22-32150970-G-C.
Other names: c.58+5G>C (NM_001364318.2, NM_001136029.4, NM_014662.6 and 9 more transcripts).
Identifiers: ClinVar variation 421111 (VCV000421111.2), dbSNP rs1064794917, ClinGen allele CA16621098.

ClinVar aggregate classification (germline): Likely pathogenic (1 of 4 stars; one submission).

Submission:

GeneDx
Classification: Likely pathogenic. Last evaluated: 2016-04-29. Review status: criteria provided, single submitter. Criteria: GeneDx Variant Classification (06012015). Collection method: clinical testing. Allele origin: germline. Affected: yes.
Comment: The c.58+5G>C variant in the DEPDC5 gene has not been reported previously as a pathogenic variant nor as a benign variant, to our knowledge. This variant is predicted to destroy the natural splice donor site in intron 2, and is expected to cause abnormal gene splicing. The c.58+5G>C variant was not observed in approximately 6100 individuals of European and African American ancestry in the NHLBI Exome Sequencing Project, indicating it is not a common benign variant in these populations. We interpret c.58+5G>C as a likely pathogenic variant, however the possibility it may be a rare benign variant cannot be excluded.